The following is an entry in ClinVar:

NM_001846.4(COL4A2):c.2342C>G (p.Pro781Arg)

Gene: COL4A2 (collagen type IV alpha 2 chain; plus strand). Cytogenetic location: 13q34.
Variant type: single nucleotide variant.
Coding change: c.2342C>G on transcript NM_001846.4 (MANE Select); coding-DNA position 2342, C replaced by G.
Protein change: p.Pro781Arg; replaces proline 781 with arginine.
Molecular consequence: missense variant.
Genome position (GRCh38, 1-based): chr13:110,473,067, C>G. VCF-style: chr13-110473067-C-G. GRCh37 (hg19) VCF-style: chr13-111125414-C-G.
Other names: short protein forms P781R.
Identifiers: ClinVar variation 1698002 (VCV001698002.2), dbSNP rs2139512765, ClinGen allele CA388742470.

ClinVar aggregate classification (germline): Uncertain significance (1 of 4 stars; one submission).

Submission:

GeneDx
Classification: Uncertain significance. Last evaluated: 2022-01-19. Review status: criteria provided, single submitter. Criteria: GeneDx Variant Classification Process June 2021. Collection method: clinical testing. Allele origin: germline. Affected: yes.
Comment: Not observed at significant frequency in large population cohorts (gnomAD); In silico analysis supports that this missense variant does not alter protein structure/function; Occurs in the triple helical domain within an interruption of the canonical Gly-X-Y repeat; Has not been previously published as pathogenic or benign to our knowledge